The following is an entry in ClinVar:

ClinVar aggregate classification (germline): Pathogenic (1 of 4 stars; one submission).

Submission:

Ambry Genetics
Classification: Pathogenic. Last evaluated: 2025-10-30. Review status: criteria provided, single submitter. Criteria: Ambry Variant Classification Scheme 2023. Collection method: clinical testing. Allele origin: germline.
Comment: The c.835C>T (p.R279*) alteration, located in coding exon 8 of the GIGYF1 gene, consists of a C to T substitution at nucleotide position 835. This changes the amino acid from an arginine (R) to a stop codon at amino acid position 279. This alteration is expected to result in loss of function by premature protein truncation or nonsense-mediated mRNA decay. This variant was not reported in population-based cohorts in the Genome Aggregation Database (gnomAD). This pathogenic variant has been reported in one individual diagnosed with autism (Chen, 2022). Based on the available evidence, this alteration is classified as pathogenic.

Literature cited by the submitters: PubMed 35917186.

NM_022574.4:c.835C>T

Gene: GIGYF1 (GRB10 interacting GYF protein 1; minus strand).
Variant type: single nucleotide variant.
Identifiers: ClinVar variation 4671840 (VCV004671840.1).